The following is an entry in ClinVar:

NM_000093.5(COL5A1):c.1720-158C>G

Gene: COL5A1 (collagen type V alpha 1 chain; plus strand). Cytogenetic location: 9q34.3.
Variant type: single nucleotide variant.
Coding change: c.1720-158C>G on transcript NM_000093.5 (MANE Select); 158 bases into the intron before coding-DNA position 1720, C replaced by G.
Molecular consequence: intron variant.
Genome position (GRCh38, 1-based): chr9:134,753,692, C>G. VCF-style: chr9-134753692-C-G. GRCh37 (hg19) VCF-style: chr9-137645538-C-G.
Other names: c.1720-158C>G (NM_001278074.1).
Identifiers: ClinVar variation 673785 (VCV000673785.2), dbSNP rs73664129, ClinGen allele CA201090669.
Genomic context (GRCh38, chr9:134,753,692, plus strand): 5'-ATTAGGAAGAGATCCAAACAACTGCATTTCCCGGCTCCTGGAAAGTCATCGTTCTTCCCC[C>G]CGGTTCTGTTCGAGGCAGACAGGTCGCGCTTTGTGTGCTGAGCACCGTGGCCGAAGCCCT-3'

ClinVar aggregate classification (germline): Benign. Review status: criteria provided, multiple submitters, no conflicts (2 of 4 stars). 2 submissions from 2 submitters: Benign (2). Last evaluated 2018-06-18.

Allele frequency attached by ClinVar (database versions not stated): 1000 Genomes Project 30x 0.20097; 1000 Genomes Project 0.20527; TOPMed 0.20766.
gnomAD v4.1: 31,761 of 151,962 alleles (21%); highest among the groups gnomAD compares: East Asian, 34%; 3,512 homozygotes.

Submissions (2):

GeneDx
Classification: Benign. Last evaluated: 2018-06-18. Review status: criteria provided, single submitter. Criteria: GeneDx Variant Classification (06012015). Collection method: clinical testing. Allele origin: germline. Affected: yes.
Comment: This variant is considered likely benign or benign based on one or more of the following criteria: it is a conservative change, it occurs at a poorly conserved position in the protein, it is predicted to be benign by multiple in silico algorithms, and/or has population frequency not consistent with disease.

Breakthrough Genomics
Classification: Benign. Review status: criteria provided, single submitter. Criteria: ACMG Guidelines, 2015. Collection method: not provided. Allele origin: germline. Inheritance: Autosomal dominant inheritance. Affected: yes.